The following is an entry in ClinVar:

NM_004415.4(DSP):c.6241G>T (p.Asp2081Tyr)

Gene: DSP (desmoplakin; plus strand). Cytogenetic location: 6p24.3.
Variant type: single nucleotide variant.
Coding change: c.6241G>T on transcript NM_004415.4 (MANE Select); coding-DNA position 6241, G replaced by T.
Protein change: p.Asp2081Tyr; replaces aspartic acid 2081 with tyrosine.
Molecular consequence: missense variant.
Genome position (GRCh38, 1-based): chr6:7,583,503, G>T. VCF-style: chr6-7583503-G-T. GRCh37 (hg19) VCF-style: chr6-7583736-G-T.
Other names: c.4444G>T, p.Asp1482Tyr (NM_001008844.3); c.4912G>T, p.Asp1638Tyr (NM_001319034.2); short protein forms D1482Y, D1638Y, D2081Y.
Identifiers: ClinVar variation 1752391 (VCV001752391.2), dbSNP rs779129603, ClinGen allele CA362690376.

ClinVar aggregate classification (germline): Uncertain significance (1 of 4 stars; one submission).

Conditions:
Cardiovascular phenotype. Identifiers: MedGen CN230736.

Submission:

Ambry Genetics
Classification: Uncertain significance for Cardiovascular phenotype. Last evaluated: 2021-08-22. Review status: criteria provided, single submitter. Criteria: Ambry Variant Classification Scheme 2023. Collection method: clinical testing. Allele origin: germline.
Comment: The p.D2081Y variant (also known as c.6241G>T), located in coding exon 24 of the DSP gene, results from a G to T substitution at nucleotide position 6241. The aspartic acid at codon 2081 is replaced by tyrosine, an amino acid with highly dissimilar properties. This amino acid position is conserved. In addition, the in silico prediction for this alteration is inconclusive. Since supporting evidence is limited at this time, the clinical significance of this alteration remains unclear.